The following is an entry in ClinVar:

NM_001377458.1(CLCC1):c.1607G>T (p.Gly536Val)

Gene: CLCC1 (chloride channel CLIC like 1; minus strand). Cytogenetic location: 1p13.3.
Variant type: single nucleotide variant.
Coding change: c.1607G>T on transcript NM_001377458.1 (MANE Select); coding-DNA position 1607, G replaced by T.
Protein change: p.Gly536Val; replaces glycine 536 with valine.
Molecular consequence: missense variant. On other transcripts: non-coding transcript variant (1).
Genome position (GRCh38, 1-based): chr1:108,934,719, C>A on the plus strand (G>T on the coding strand, the complement: CLCC1 is on the minus strand). VCF-style: chr1-108934719-C-A. GRCh37 (hg19) VCF-style: chr1-109477341-C-A.
Other names: c.1607G>T, p.Gly536Val (NM_001048210.3, NM_001377459.1, NM_001377460.1 and 8 more transcripts); c.1244G>T, p.Gly415Val (NM_001278202.2); c.1052G>T, p.Gly351Val (NM_001278203.1); c.1505G>T, p.Gly502Val (NM_001377469.1); c.1316G>T, p.Gly439Val (NM_001377470.1); c.1457G>T, p.Gly486Val (NM_015127.5); c.1607G>T (NM_001048210.1); short protein forms G351V, G415V, G439V, G486V, G502V, G536V.
Identifiers: ClinVar variation 2417830 (VCV002417830.4), dbSNP rs766903445, ClinGen allele CA983286.

ClinVar aggregate classification (germline): Uncertain significance. Review status: criteria provided, multiple submitters, no conflicts (2 of 4 stars). 2 submissions from 2 submitters: Uncertain significance (2). Last evaluated 2025-02-12.

Allele frequency attached by ClinVar (database versions not stated): gnomAD 0.00001; ExAC 0.00002; TOPMed 0.00002.
gnomAD v4.1: 58 of 1,613,988 alleles (0.0036%); highest among the groups gnomAD compares: Non-Finnish European, 0.0047%; no homozygotes.

Submissions (2):

Ambry Genetics
Classification: Uncertain significance. Last evaluated: 2025-02-12. Review status: criteria provided, single submitter. Criteria: Ambry Variant Classification Scheme 2023. Collection method: clinical testing. Allele origin: germline.

Labcorp Genetics (formerly Invitae), Labcorp
Classification: Uncertain significance. Last evaluated: 2022-07-09. Review status: criteria provided, single submitter. Criteria: Invitae Variant Classification Sherloc (09022015). Collection method: clinical testing. Allele origin: germline.
Comment: This sequence change replaces glycine, which is neutral and non-polar, with valine, which is neutral and non-polar, at codon 536 of the CLCC1 protein (p.Gly536Val). In summary, the available evidence is currently insufficient to determine the role of this variant in disease. Therefore, it has been classified as a Variant of Uncertain Significance. Algorithms developed to predict the effect of missense changes on protein structure and function output the following: SIFT: "Tolerated"; PolyPhen-2: "Benign"; Align-GVGD: "Class C0". The valine amino acid residue is found in multiple mammalian species, which suggests that this missense change does not adversely affect protein function. This variant has not been reported in the literature in individuals affected with CLCC1-related conditions. This variant is present in population databases (rs766903445, gnomAD 0.004%).